The following is an entry in ClinVar:

ClinVar aggregate classification (germline): Conflicting classifications of pathogenicity. Review status: criteria provided, conflicting classifications (1 of 4 stars). 6 submissions from 6 submitters: Uncertain significance (2); Likely benign (2). 2 of the submissions do not count toward it. Last evaluated 2026-01-01.

Conditions:
Autism, susceptibility to, 17. Also called: Autism susceptibility 17. Identifiers: MedGen C3150693, MONDO:0013265, OMIM 613436.

Allele frequency attached by ClinVar (database versions not stated): 1000 Genomes Project 0.00040; 1000 Genomes Project 30x 0.00047; ESP Exome Variant Server 0.00092; gnomAD 0.00093 and 0.00096; TOPMed 0.00099.
gnomAD v4.1: 2,236 of 1,614,018 alleles (0.14%); highest among the groups gnomAD compares: Non-Finnish European, 0.18%; 2 homozygotes.

Submissions (6):

CeGaT Center for Human Genetics Tuebingen
Classification: Likely benign. Last evaluated: 2026-01-01. Review status: criteria provided, single submitter. Criteria: CeGaT Center For Human Genetics Tuebingen Variant Classification Criteria Version 2. Collection method: clinical testing. Allele origin: germline. Affected: yes. Observed: 4 variant alleles.
Comment: SHANK2: BP4, BS1

Labcorp Genetics (formerly Invitae), Labcorp
Classification: Likely benign. Last evaluated: 2019-12-31. Review status: criteria provided, single submitter. Criteria: Invitae Variant Classification Sherloc (09022015). Collection method: clinical testing. Allele origin: germline.

Fulgent Genetics
Classification: Uncertain significance for Autism, susceptibility to, 17. Last evaluated: 2018-10-31. Review status: criteria provided, single submitter. Criteria: ACMG Guidelines, 2015. Collection method: clinical testing. Allele origin: unknown.

Genetic Services Laboratory, University of Chicago
Classification: Uncertain significance. Last evaluated: 2016-08-12. Review status: criteria provided, single submitter. Criteria: ACMG Guidelines, 2015. Collection method: clinical testing. Allele origin: germline. Affected: no.

Clinical Genetics DNA and cytogenetics Diagnostics Lab, Erasmus MC, Erasmus Medical Center
Classification: Uncertain significance. Review status: no assertion criteria provided. Collection method: clinical testing. Allele origin: germline. Affected: yes. Study: VKGL Data-share Consensus. Not counted in ClinVar's aggregate classification.

Laboratory of Diagnostic Genome Analysis, Leiden University Medical Center (LUMC)
Classification: Uncertain significance. Review status: no assertion criteria provided. Collection method: clinical testing. Allele origin: germline. Affected: yes. Study: VKGL Data-share Consensus. Not counted in ClinVar's aggregate classification.

NM_012309.5(SHANK2):c.2338A>C (p.Lys780Gln)

Gene: SHANK2 (SH3 and multiple ankyrin repeat domains 2; minus strand). Cytogenetic location: 11q13.3.
Variant type: single nucleotide variant.
Coding change: c.2338A>C on transcript NM_012309.5 (MANE Select); coding-DNA position 2338, A replaced by C.
Protein change: p.Lys780Gln; replaces lysine 780 with glutamine.
Molecular consequence: missense variant. On other transcripts: non-coding transcript variant (1).
Genome position (GRCh38, 1-based): chr11:70,492,436, T>G on the plus strand (A>C on the coding strand, the complement: SHANK2 is on the minus strand). VCF-style: chr11-70492436-T-G. GRCh37 (hg19) VCF-style: chr11-70338541-T-G.
Other names: c.1201A>C, p.Lys401Gln (NM_001379226.1); c.574A>C, p.Lys192Gln (NM_133266.5); short protein forms K192Q, K780Q, K401Q.
Identifiers: ClinVar variation 436710 (VCV000436710.37), dbSNP rs55968949, ClinGen allele CA6161399.